The following is an entry in ClinVar:

ClinVar aggregate classification (germline): Benign. Review status: reviewed by expert panel (3 of 4 stars). 22 submissions from 22 submitters: Benign (1). 21 of the submissions do not count toward it. Last evaluated 2019-06-18.

Conditions:
Hereditary cancer-predisposing syndrome. Also called: Neoplastic Syndromes, Hereditary; Tumor predisposition; Hereditary Cancer Syndrome; Hereditary neoplastic syndrome. Identifiers: Orphanet 140162, MedGen C0027672, MeSH D009386, MONDO:0015356.
Glioma susceptibility 3 (GLM3). Also called: Glioblastoma 3. Identifiers: Orphanet 182067, Orphanet 360, MedGen C2751641, MONDO:0013093, OMIM 613029.
Wilms tumor 1 (WT1). Also called: Wilms tumor, somatic. Identifiers: Orphanet 654, MedGen CN033288, MONDO:0008679, OMIM 194070.
Familial cancer of breast. Also called: Hereditary breast cancer; BREAST CANCER, FAMILIAL; hereditary breast carcinoma. Identifiers: Orphanet 227535, MedGen C0346153, MONDO:0016419, OMIM 114480. Disease mechanism: loss of function.
Prostate cancer. Also called: Malignant tumor of prostate. Identifiers: Orphanet 1331, MedGen C0376358, MONDO:0008315, HP:0012125.
Breast-ovarian cancer, familial, susceptibility to, 2 (BROVCA2). Also called: BRCA2 Hereditary Breast and Ovarian Cancer. Identifiers: Orphanet 145, MedGen C2675520, MONDO:0012933, OMIM 612555. Disease mechanism: loss of function.
Fanconi anemia complementation group D1. Also called: BRCA2-Related Fanconi Anemia. Identifiers: Orphanet 319462, MedGen C1838457, MONDO:0011584, OMIM 605724.
Medulloblastoma (MDB). Also called: Medulloblastoma, somatic; MEDULLOBLASTOMA PREDISPOSITION SYNDROME. Identifiers: Orphanet 616, MedGen C0025149, MeSH D008527, MONDO:0007959, OMIM 155255, HP:0002885.
Pancreatic cancer, susceptibility to, 2. Identifiers: Orphanet 1333, MedGen C3150546, MONDO:0013235, OMIM 613347.
Hereditary breast ovarian cancer syndrome. Also called: Hereditary breast and/or ovarian cancer syndrome; Hereditary breast and ovarian cancer syndrome; Hereditary breast and ovarian cancer; Hereditary breast and ovarian cancer syndrome (HBOC); Breast and ovarian cancer; BRCA1- and BRCA2-Associated Hereditary Breast and Ovarian Cancer. Identifiers: Orphanet 145, MedGen C0677776, MeSH D061325, MONDO:0003582. Disease mechanism: loss of function.

Allele frequency attached by ClinVar (database versions not stated): 1000 Genomes Project 0.00379; 1000 Genomes Project 30x 0.00406; gnomAD 0.00439 and 0.00443; TOPMed 0.00518; gnomAD exomes 0.00725.
gnomAD v4.1: 7,930 of 1,156,906 alleles (0.69%); highest among the groups gnomAD compares: Non-Finnish European, 0.93%; 63 homozygotes.

Submissions (22):

Evidence-based Network for the Interpretation of Germline Mutant Alleles (ENIGMA)
Classification: Benign for Breast-ovarian cancer, familial, susceptibility to, 2. Last evaluated: 2019-06-18. Review status: reviewed by expert panel. Criteria: ENIGMA BRCA1/2 Classification Criteria (2017-06-29). Collection method: curation. Allele origin: germline.
Comment: IARC class based on posterior probability from multifactorial likelihood analysis, thresholds for class as per Plon et al. 2008 (PMID: 18951446). Class 1 based on posterior probability = 8.83E-264

CeGaT Center for Human Genetics Tuebingen
Classification: Likely benign. Last evaluated: 2026-09-01. Review status: criteria provided, single submitter. Criteria: CeGaT Center For Human Genetics Tuebingen Variant Classification Criteria Version 2. Collection method: clinical testing. Allele origin: germline. Affected: yes. Observed: 73 variant alleles. Not counted in ClinVar's aggregate classification.
Comment: BRCA2: BS2

Labcorp Genetics (formerly Invitae), Labcorp
Classification: Benign for Hereditary breast ovarian cancer syndrome. Last evaluated: 2026-01-26. Review status: criteria provided, single submitter. Criteria: Invitae Variant Classification Sherloc (09022015). Collection method: clinical testing. Allele origin: germline. Not counted in ClinVar's aggregate classification.

Laboratorio de I+D, Fundación Centro Médico de Asturias
Classification: Benign for Hereditary cancer-predisposing syndrome. Last evaluated: 2025-07-09. Review status: criteria provided, single submitter. Criteria: ACMG Guidelines, 2015. Collection method: clinical testing. Allele origin: germline. Not counted in ClinVar's aggregate classification.
Comment: BS1+BS2+BP4_Moderate

Fulgent Genetics
Classification: Benign for Familial cancer of breast; Medulloblastoma; Familial prostate cancer; Wilms tumor 1; Fanconi anemia complementation group D1; Breast-ovarian cancer, familial, susceptibility to, 2; Glioma susceptibility 3; Pancreatic cancer, susceptibility to, 2. Last evaluated: 2022-03-04. Review status: criteria provided, single submitter. Criteria: ACMG Guidelines, 2015. Collection method: clinical testing. Allele origin: unknown. Not counted in ClinVar's aggregate classification.

National Health Laboratory Service, Universitas Academic Hospital and University of the Free State
Classification: Benign for Hereditary breast ovarian cancer syndrome. Last evaluated: 2021-11-16. Review status: criteria provided, single submitter. Criteria: ACMG Guidelines, 2015. Collection method: clinical testing. Allele origin: germline. Affected: yes. Observed: 5 variant alleles. Not counted in ClinVar's aggregate classification.

ARUP Laboratories, Molecular Genetics and Genomics, ARUP Laboratories
Classification: Benign. Last evaluated: 2021-08-06. Review status: criteria provided, single submitter. Criteria: ARUP Molecular Germline Variant Investigation Process 2021. Collection method: clinical testing. Allele origin: germline. Not counted in ClinVar's aggregate classification.

Sema4
Classification: Benign for Hereditary cancer-predisposing syndrome. Last evaluated: 2020-06-10. Review status: criteria provided, single submitter. Criteria: Sema4 Curation Guidelines. Collection method: curation. Allele origin: germline. Not counted in ClinVar's aggregate classification.

Mendelics
Classification: Benign for Breast-ovarian cancer, familial, susceptibility to, 2. Last evaluated: 2019-05-28. Review status: criteria provided, single submitter. Criteria: Mendelics Assertion Criteria 2017. Collection method: clinical testing. Allele origin: unknown. Not counted in ClinVar's aggregate classification.

Genetic Services Laboratory, University of Chicago
Classification: Benign. Last evaluated: 2017-10-26. Review status: criteria provided, single submitter. Criteria: ACMG Guidelines, 2015. Collection method: clinical testing. Allele origin: germline. Affected: no. Not counted in ClinVar's aggregate classification.

Eurofins Ntd Llc (ga)
Classification: Benign. Last evaluated: 2017-03-30. Review status: criteria provided, single submitter. Criteria: EGL Classification Definitions 2015. Collection method: clinical testing. Allele origin: germline. Observed: 2 variant alleles, 2 heterozygotes. Not counted in ClinVar's aggregate classification.

Ambry Genetics
Classification: Benign for Hereditary cancer-predisposing syndrome. Last evaluated: 2017-01-27. Review status: criteria provided, single submitter. Criteria: Ambry Variant Classification Scheme 2023. Collection method: clinical testing. Allele origin: germline. Not counted in ClinVar's aggregate classification.

PreventionGenetics, part of Exact Sciences
Classification: Likely benign. Last evaluated: 2016-05-25. Review status: criteria provided, single submitter. Criteria: ACMG Guidelines, 2015. Collection method: clinical testing. Allele origin: germline. Not counted in ClinVar's aggregate classification.

Genomic Diagnostic Laboratory, Division of Genomic Diagnostics, Children's Hospital of Philadelphia
Classification: Uncertain significance for Hereditary Breast and Ovarian Cancer. Last evaluated: 2015-02-16. Review status: criteria provided, single submitter. Criteria: DGD Variant Analysis Guidelines. Collection method: clinical testing. Allele origin: unknown. Not counted in ClinVar's aggregate classification.

Color Diagnostics, LLC DBA Color Health
Classification: Benign for Hereditary cancer-predisposing syndrome. Last evaluated: 2014-12-05. Review status: criteria provided, single submitter. Criteria: ACMG Guidelines, 2015. Collection method: clinical testing. Allele origin: germline. Not counted in ClinVar's aggregate classification.

Pathway Genomics
Classification: Benign for Breast-ovarian cancer, familial 2. Last evaluated: 2014-10-30. Review status: criteria provided, single submitter. Criteria: ACMG Guidelines, 2015. Collection method: clinical testing. Allele origin: germline. Not counted in ClinVar's aggregate classification.

Genome Diagnostics Laboratory, University Medical Center Utrecht
Classification: Benign for Breast-ovarian cancer, familial, susceptibility to, 2. Last evaluated: 2014-10-09. Review status: criteria provided, single submitter. Criteria: ACGS Guidelines, 2013. Collection method: clinical testing. Allele origin: germline. Affected: yes. Study: VKGL Data-share Consensus. Not counted in ClinVar's aggregate classification.

Breakthrough Genomics
Classification: Benign. Review status: criteria provided, single submitter. Criteria: ACMG Guidelines, 2015. Collection method: not provided. Allele origin: germline. Inheritance: Autosomal recessive inheritance. Affected: yes. Not counted in ClinVar's aggregate classification.

Department of Pathology and Laboratory Medicine, Sinai Health System
Classification: Likely benign. Review status: criteria provided, single submitter. Criteria: ACMG Guidelines, 2015. Collection method: clinical testing. Allele origin: germline. Affected: yes. Study: The Canadian Open Genetics Repository (COGR). Not counted in ClinVar's aggregate classification.

Counsyl
Classification: Benign for Breast-ovarian cancer, familial 2. Last evaluated: 2014-04-12. Review status: no assertion criteria provided. Collection method: literature only. Allele origin: unknown. Inheritance: Autosomal dominant inheritance. Not counted in ClinVar's aggregate classification.

Breast Cancer Information Core (BIC) (BRCA2)
Classification: Uncertain significance for Breast-ovarian cancer, familial 2. Last evaluated: 2010-12-17. Review status: no assertion criteria provided. Collection method: clinical testing. Allele origin: germline. Affected: yes. Observed: 5 variant alleles. Not counted in ClinVar's aggregate classification.

Clinical Genetics Laboratory, Department of Pathology, Netherlands Cancer Institute
Classification: Benign. Review status: no assertion criteria provided. Collection method: clinical testing. Allele origin: germline. Affected: yes. Study: VKGL Data-share Consensus. Not counted in ClinVar's aggregate classification.

Literature cited by the submitters: PubMed 31131967 (cited by Evidence-based Network for the Interpretation of Germline Mutant Alleles (ENIGMA)); DOI 10.3389/fgene.2022.834265 (cited by National Health Laboratory Service, Universitas Academic Hospital and University of the Free State); PubMed 22144684 (cited by Pathway Genomics and Counsyl); PubMed 22505045 (cited by Pathway Genomics); PubMed 18694767 (cited by Counsyl); PubMed 20104584 (cited by Counsyl); PubMed 9971877 (cited by Counsyl); PubMed 11304778 (cited by Counsyl).

NM_000059.4(BRCA2):c.7008-62A>G

Gene: BRCA2 (BRCA2 DNA repair associated; plus strand). Cytogenetic location: 13q13.1.
Variant type: single nucleotide variant.
Coding change: c.7008-62A>G on transcript NM_000059.4 (MANE Select); 62 bases into the intron before coding-DNA position 7008, A replaced by G.
Molecular consequence: intron variant.
Genome position (GRCh38, 1-based): chr13:32,354,799, A>G. VCF-style: chr13-32354799-A-G. GRCh37 (hg19) VCF-style: chr13-32928936-A-G.
Other names: IVS13-62A/G; IVS13-62A>G.
Identifiers: ClinVar variation 52247 (VCV000052247.91), dbSNP rs76584943, ClinGen allele CA024743.